The following is an entry in ClinVar:

NM_000203.5(IDUA):c.826G>T (p.Glu276Ter)

Gene: IDUA (alpha-L-iduronidase; plus strand). Cytogenetic location: 4p16.3.
Variant type: single nucleotide variant.
Coding change: c.826G>T on transcript NM_000203.5 (MANE Select); coding-DNA position 826, G replaced by T.
Protein change: p.Glu276Ter; replaces glutamic acid 276 with a stop codon.
Molecular consequence: nonsense. On other transcripts: non-coding transcript variant (1).
Genome position (GRCh38, 1-based): chr4:1,002,015, G>T. VCF-style: chr4-1002015-G-T. GRCh37 (hg19) VCF-style: chr4-995803-G-T.
Other names: c.430G>T, p.Glu144Ter (NM_001363576.1); short protein forms E144*, E276*.
Identifiers: ClinVar variation 5012461 (VCV005012461.1).
Genomic context (GRCh38, chr4:1,002,015, plus strand): 5'-GTGGTGCTGAGGCGGCCCCGCCCGCAGGGTGCGCGCAGCTCCATCTCCATCCTGGAGCAG[G>T]AGAAGGTCGTCGCGCAGCAGATCCGGCAGCTCTTCCCCAAGTTCGCGGACACCCCCATTT-3'

ClinVar aggregate classification (germline): Pathogenic (1 of 4 stars; one submission).

Conditions:
Mucopolysaccharidosis type 1. Also called: IDUA deficiency; MPS I; Mucopolysaccharidosis Type I. Identifiers: Orphanet 579, MedGen C0023786, MONDO:0001586.

Submission:

Myriad Genetics, Inc.
Classification: Pathogenic for Mucopolysaccharidosis type 1. Last evaluated: 2023-11-04. Review status: criteria provided, single submitter. Criteria: Myriad Autosomal Dominant, Autosomal Recessive and X-Linked Classification Criteria (2023). Collection method: clinical testing. Allele origin: unknown.
Comment: NM_000203.3(IDUA):c.826G>T(E276*) is expected to be pathogenic in the context of mucopolysaccharidosis type I. This variant is predicted to lead to an abnormal or absent protein product due to the creation of a premature termination codon in IDUA, a gene where loss-of-function variants are known to be pathogenic. Please note: this variant was assessed in the context of healthy population screening.